The following is an entry in ClinVar:

NM_004523.4(KIF11):c.1494+8C>T

Gene: KIF11 (kinesin family member 11; plus strand). Cytogenetic location: 10q23.33.
Variant type: single nucleotide variant.
Coding change: c.1494+8C>T on transcript NM_004523.4 (MANE Select); 8 bases into the intron after coding-DNA position 1494, C replaced by T.
Molecular consequence: intron variant.
Genome position (GRCh38, 1-based): chr10:92,630,372, C>T. VCF-style: chr10-92630372-C-T. GRCh37 (hg19) VCF-style: chr10-94390129-C-T.
Identifiers: ClinVar variation 1722402 (VCV001722402.1), dbSNP rs1486133986, ClinGen allele CA595265455.
Genomic context (GRCh38, chr10:92,630,372, plus strand): 5'-TCACATCAGCTTTGGAAAGTACTGAGGAGAAACTTCATGATGCTGCCAGCAAGGTTTGTC[C>T]CTTGTGTTGATTTGTACTCATATTAAGTAGAGAATGGGTAGAAAAAATTTTCTGTGCTTA-3'

ClinVar aggregate classification (germline): Uncertain significance (1 of 4 stars; one submission).

gnomAD v4.1: 7 of 1,535,204 alleles (0.00046%); highest among the groups gnomAD compares: Middle Eastern, 0.12%; no homozygotes.

Submission:

Women's Health and Genetics/Laboratory Corporation of America, LabCorp
Classification: Uncertain significance. Last evaluated: 2022-09-29. Review status: criteria provided, single submitter. Criteria: LabCorp Variant Classification Summary - May 2015. Collection method: clinical testing. Allele origin: germline.
Comment: Variant summary: KIF11 c.1494+8C>T alters a non-conserved nucleotide located close to a canonical splice site and therefore could affect mRNA splicing, leading to a significantly altered protein sequence. 4/4 computational tools predict no significant impact on normal splicing. However, these predictions have yet to be confirmed by functional studies. The variant was absent in 179714 control chromosomes (gnomAD). The available data on variant occurrences in the general population are insufficient to allow any conclusion about variant significance. To our knowledge, no occurrence of c.1494+8C>T in individuals affected with Microcephaly With Or Without Chorioretinopathy, Lymphedema, Or Intellectual Disability and no experimental evidence demonstrating its impact on protein function have been reported. No clinical diagnostic laboratories have submitted clinical-significance assessments for this variant to ClinVar after 2014. Based on the evidence outlined above, the variant was classified as uncertain significance.